The following is an entry in ClinVar:

ClinVar aggregate classification (germline): Benign. Review status: criteria provided, multiple submitters, no conflicts (2 of 4 stars). 6 submissions from 4 submitters: Benign (5). 1 of the submissions does not count toward it. Last evaluated 2021-07-14.

Conditions:
Miyoshi muscular dystrophy 3 (MMD3). Also called: Miyoshi myopathy 3; Miyoshi Muscular Dystrophy 3 (MMD3). Identifiers: Orphanet 399096, MedGen C2750076, MONDO:0013222, OMIM 613319.
Autosomal recessive limb-girdle muscular dystrophy type 2L (LGMDR12). Also called: MUSCULAR DYSTROPHY, LIMB-GIRDLE, AUTOSOMAL RECESSIVE 12; Limb-girdle muscular dystrophy, type 2L; Limb-Girdle Muscular Dystrophy R12 Anoctamin-5-Related (LGMD-R12). Identifiers: Orphanet 206549, MedGen C1969785, MONDO:0012652, OMIM 611307.
Gnathodiaphyseal dysplasia (GDD). Also called: GNATHODIAPHYSEAL SCLEROSIS; OSTEOGENESIS IMPERFECTA WITH UNUSUAL SKELETAL LESIONS. Identifiers: Orphanet 53697, MedGen C1833736, MONDO:0008151, OMIM 166260.

Allele frequency attached by ClinVar (database versions not stated): 1000 Genomes Project 0.57648; 1000 Genomes Project 30x 0.58011; TOPMed 0.64511; gnomAD 0.67410 and 0.67443.
gnomAD v4.1: 102,538 of 151,770 alleles (68%); highest among the groups gnomAD compares: Non-Finnish European, 81%; 36,672 homozygotes.

Submissions (6):

Genome-Nilou Lab
Classification: Benign for Gnathodiaphyseal dysplasia. Last evaluated: 2021-07-14. Review status: criteria provided, single submitter. Criteria: ACMG Guidelines, 2015. Collection method: clinical testing. Allele origin: germline. Affected: no.

Genome-Nilou Lab
Classification: Benign for Miyoshi muscular dystrophy 3. Last evaluated: 2021-07-14. Review status: criteria provided, single submitter. Criteria: ACMG Guidelines, 2015. Collection method: clinical testing. Allele origin: germline. Affected: no.

Genome-Nilou Lab
Classification: Benign for Autosomal recessive limb-girdle muscular dystrophy type 2L. Last evaluated: 2021-07-14. Review status: criteria provided, single submitter. Criteria: ACMG Guidelines, 2015. Collection method: clinical testing. Allele origin: germline. Affected: no.

GeneDx
Classification: Benign. Last evaluated: 2018-06-14. Review status: criteria provided, single submitter. Criteria: GeneDx Variant Classification (06012015). Collection method: clinical testing. Allele origin: germline. Affected: yes.
Comment: This variant is considered likely benign or benign based on one or more of the following criteria: it is a conservative change, it occurs at a poorly conserved position in the protein, it is predicted to be benign by multiple in silico algorithms, and/or has population frequency not consistent with disease.

Breakthrough Genomics
Classification: Benign. Review status: criteria provided, single submitter. Criteria: ACMG Guidelines, 2015. Collection method: not provided. Allele origin: germline. Inheritance: Autosomal recessive inheritance. Affected: yes.

ANO5 @LOVD
No classification provided. Review status: no classification provided. Collection method: not provided. Allele origin: unknown. Not counted in ClinVar's aggregate classification.

NM_213599.3(ANO5):c.138+169G>A

Gene: ANO5 (anoctamin 5; plus strand). Cytogenetic location: 11p14.3.
Variant type: single nucleotide variant.
Coding change: c.138+169G>A on transcript NM_213599.3 (MANE Select); 169 bases into the intron after coding-DNA position 138, G replaced by A.
Molecular consequence: intron variant.
Genome position (GRCh38, 1-based): chr11:22,211,483, G>A. VCF-style: chr11-22211483-G-A. GRCh37 (hg19) VCF-style: chr11-22233029-G-A.
Other names: c.135+169G>A (NM_001142649.2).
Identifiers: ClinVar variation 140547 (VCV000140547.6), dbSNP rs4922980, ClinGen allele CA232780.